The following is an entry in ClinVar:

ClinVar aggregate classification (germline): Pathogenic/Likely pathogenic. Review status: criteria provided, multiple submitters, no conflicts (2 of 4 stars). 4 submissions from 4 submitters: Pathogenic (2); Likely pathogenic (2). Last evaluated 2024-04-02.

Conditions:
Renal carnitine transport defect (CDSP). Also called: Carnitine transporter deficiency; Carnitine Deficiency, Systemic; Systemic primary carnitine deficiency disease; CARNITINE DEFICIENCY, SYSTEMIC, DUE TO DEFECT IN RENAL REABSORPTION OF CARNITINE; CARNITINE TRANSPORTER, PLASMA-MEMBRANE, DEFICIENCY OF; CARNITINE UPTAKE DEFECT. Identifiers: Orphanet 158, MedGen C0342788, MONDO:0008919, OMIM 212140.

gnomAD v4.1: 2 of 1,614,174 alleles (0.00012%); highest among the groups gnomAD compares: Non-Finnish European, 0.00017%; no homozygotes.

Submissions (4):

Fulgent Genetics
Classification: Likely pathogenic for Renal carnitine transport defect. Last evaluated: 2024-04-02. Review status: criteria provided, single submitter. Criteria: ACMG Guidelines, 2015. Collection method: clinical testing. Allele origin: germline.

Women's Health and Genetics/Laboratory Corporation of America, LabCorp
Classification: Pathogenic for Renal carnitine transport defect. Last evaluated: 2024-04-02. Review status: criteria provided, single submitter. Criteria: LabCorp Variant Classification Summary - May 2015. Collection method: clinical testing. Allele origin: germline.
Comment: Variant summary: SLC22A5 c.1412G>C (p.Arg471Pro) results in a non-conservative amino acid change located in the Major facilitator superfamily domain (IPR020846) of the encoded protein sequence. Five of five in-silico tools predict a damaging effect of the variant on protein function. The variant was absent in 251434 control chromosomes. c.1412G>C has been reported in the literature in individuals affected with Systemic Primary Carnitine Deficiency (Rose_2011). Additionally, another missense variant at the same codon (Arg47His) has been classified as pathogenic in our laboratory. At least one publication reports experimental evidence evaluating an impact on protein function, demonstrating undetectable carnitine transport activity when compared to Wildtype (Frigeni_2017) . The following publications have been ascertained in the context of this evaluation (PMID: 28841266, 21922592). ClinVar contains an entry for this variant (Variation ID: 1456659). Based on the evidence outlined above, the variant was classified as pathogenic.

Baylor Genetics
Classification: Likely pathogenic for Renal carnitine transport defect. Last evaluated: 2024-03-23. Review status: criteria provided, single submitter. Criteria: ACMG Guidelines, 2015. Collection method: clinical testing. Allele origin: unknown.

Labcorp Genetics (formerly Invitae), Labcorp
Classification: Pathogenic for Renal carnitine transport defect. Last evaluated: 2022-12-21. Review status: criteria provided, single submitter. Criteria: Invitae Variant Classification Sherloc (09022015). Collection method: clinical testing. Allele origin: germline.
Comment: For these reasons, this variant has been classified as Pathogenic. This variant disrupts the p.Arg471 amino acid residue in SLC22A5. Other variant(s) that disrupt this residue have been determined to be pathogenic (PMID: 14605509, 25132046). This suggests that this residue is clinically significant, and that variants that disrupt this residue are likely to be disease-causing. Advanced modeling of protein sequence and biophysical properties (such as structural, functional, and spatial information, amino acid conservation, physicochemical variation, residue mobility, and thermodynamic stability) performed at Invitae indicates that this missense variant is expected to disrupt SLC22A5 protein function. ClinVar contains an entry for this variant (Variation ID: 1456659). This missense change has been observed in individual(s) with primary carnitine deficiency (PMID: 21922592). This variant is not present in population databases (gnomAD no frequency). This sequence change replaces arginine, which is basic and polar, with proline, which is neutral and non-polar, at codon 471 of the SLC22A5 protein (p.Arg471Pro).

Literature cited by the submitters: PubMed 21922592 (cited by Women's Health and Genetics/Laboratory Corporation of America, LabCorp and Labcorp Genetics (formerly Invitae), Labcorp); PubMed 28841266 (cited by Women's Health and Genetics/Laboratory Corporation of America, LabCorp); PubMed 14605509 (cited by Labcorp Genetics (formerly Invitae), Labcorp); PubMed 25132046 (cited by Labcorp Genetics (formerly Invitae), Labcorp).

NM_003060.4(SLC22A5):c.1412G>C (p.Arg471Pro)

Gene: SLC22A5 (solute carrier family 22 member 5; plus strand). Cytogenetic location: 5q31.1.
Variant type: single nucleotide variant.
Coding change: c.1412G>C on transcript NM_003060.4 (MANE Select); coding-DNA position 1412, G replaced by C.
Protein change: p.Arg471Pro; replaces arginine 471 with proline.
Molecular consequence: missense variant.
Genome position (GRCh38, 1-based): chr5:132,392,577, G>C. VCF-style: chr5-132392577-G-C. GRCh37 (hg19) VCF-style: chr5-131728269-G-C.
Other names: c.1484G>C, p.Arg495Pro (NM_001308122.2); short protein forms R495P, R471P.
Identifiers: ClinVar variation 1456659 (VCV001456659.9), dbSNP rs386134223, ClinGen allele CA360809223.